The following is an entry in ClinVar:

NM_025009.5(CEP135):c.334C>T (p.Arg112Cys)

Gene: CEP135 (centrosomal protein 135; plus strand). Cytogenetic location: 4q12.
Variant type: single nucleotide variant.
Coding change: c.334C>T on transcript NM_025009.5 (MANE Select); coding-DNA position 334, C replaced by T.
Protein change: p.Arg112Cys; replaces arginine 112 with cysteine.
Molecular consequence: missense variant.
Genome position (GRCh38, 1-based): chr4:55,954,245, C>T. VCF-style: chr4-55954245-C-T. GRCh37 (hg19) VCF-style: chr4-56820411-C-T.
Other names: c.334C>T (NM_025009.4); short protein forms R112C.
Identifiers: ClinVar variation 1423859 (VCV001423859.5), dbSNP rs150631174, ClinGen allele CA2927521.

ClinVar aggregate classification (germline): Uncertain significance. Review status: criteria provided, single submitter (1 of 4 stars). 2 submissions from 2 submitters: Uncertain significance (1). 1 of the submissions does not count toward it. Last evaluated 2022-10-17.

Conditions:
CEP135-related disorder. Also called: CEP135-related condition.

Allele frequency attached by ClinVar (database versions not stated): gnomAD exomes 0.00002 and 0.00005; ExAC 0.00003; TOPMed 0.00003; gnomAD 0.00004 and 0.00005; ESP Exome Variant Server 0.00008; 1000 Genomes Project 30x 0.00016; 1000 Genomes Project 0.00020.
gnomAD v4.1: 54 of 1,599,092 alleles (0.0034%); highest among the groups gnomAD compares: East Asian, 0.011%; no homozygotes.

Submissions (2):

Labcorp Genetics (formerly Invitae), Labcorp
Classification: Uncertain significance. Last evaluated: 2022-10-17. Review status: criteria provided, single submitter. Criteria: Invitae Variant Classification Sherloc (09022015). Collection method: clinical testing. Allele origin: germline.
Comment: This sequence change replaces arginine, which is basic and polar, with cysteine, which is neutral and slightly polar, at codon 112 of the CEP135 protein (p.Arg112Cys). This variant is present in population databases (rs150631174, gnomAD 0.02%). This variant has not been reported in the literature in individuals affected with CEP135-related conditions. ClinVar contains an entry for this variant (Variation ID: 1423859). Algorithms developed to predict the effect of missense changes on protein structure and function output the following: SIFT: "Deleterious"; PolyPhen-2: "Benign"; Align-GVGD: "Class C0". The cysteine amino acid residue is found in multiple mammalian species, which suggests that this missense change does not adversely affect protein function. In summary, the available evidence is currently insufficient to determine the role of this variant in disease. Therefore, it has been classified as a Variant of Uncertain Significance.

PreventionGenetics, part of Exact Sciences
Classification: Uncertain significance for CEP135-related condition. Last evaluated: 2024-02-28. Review status: no assertion criteria provided. Collection method: clinical testing. Allele origin: germline. Not counted in ClinVar's aggregate classification.
Comment: The CEP135 c.334C>T variant is predicted to result in the amino acid substitution p.Arg112Cys. To our knowledge, this variant has not been reported in the literature. This variant is reported in 0.023% of alleles in individuals of East Asian descent in gnomAD. At this time, the clinical significance of this variant is uncertain due to the absence of conclusive functional and genetic evidence.